The following is an entry in ClinVar:

NM_001792.5(CDH2):c.902A>G (p.Asn301Ser)

Gene: CDH2 (cadherin 2; minus strand). Cytogenetic location: 18q12.1.
Variant type: single nucleotide variant.
Coding change: c.902A>G on transcript NM_001792.5 (MANE Select); coding-DNA position 902, A replaced by G.
Protein change: p.Asn301Ser; replaces asparagine 301 with serine.
Molecular consequence: missense variant.
Genome position (GRCh38, 1-based): chr18:28,003,115, T>C on the plus strand (A>G on the coding strand, the complement: CDH2 is on the minus strand). VCF-style: chr18-28003115-T-C. GRCh37 (hg19) VCF-style: chr18-25583079-T-C.
Other names: c.809A>G, p.Asn270Ser (NM_001308176.2); short protein forms N301S, N270S.
Identifiers: ClinVar variation 1765523 (VCV001765523.4), dbSNP rs374009883, ClinGen allele CA297917252.

ClinVar aggregate classification (germline): Uncertain significance. Review status: criteria provided, multiple submitters, no conflicts (2 of 4 stars). 2 submissions from 2 submitters: Uncertain significance (2). Last evaluated 2025-12-17.

Conditions:
Inborn genetic diseases. Identifiers: MedGen C0950123, MeSH D030342.

Allele frequency attached by ClinVar (database versions not stated): gnomAD exomes 0.00001; gnomAD 0.00003; TOPMed 0.00006; ESP Exome Variant Server 0.00008.
gnomAD v4.1: 11 of 1,612,922 alleles (0.00068%); highest among the groups gnomAD compares: African/African-American, 0.008%; no homozygotes.

Submissions (2):

Labcorp Genetics (formerly Invitae), Labcorp
Classification: Uncertain significance. Last evaluated: 2025-12-17. Review status: criteria provided, single submitter. Criteria: Invitae Variant Classification Sherloc (09022015). Collection method: clinical testing. Allele origin: germline.
Comment: This sequence change replaces asparagine, which is neutral and polar, with serine, which is neutral and polar, at codon 301 of the CDH2 protein (p.Asn301Ser). This variant is present in population databases (rs374009883, gnomAD 0.01%). This variant has not been reported in the literature in individuals affected with CDH2-related conditions. ClinVar contains an entry for this variant (Variation ID: 1765523). An algorithm developed to predict the effect of missense changes on protein structure and function (PolyPhen-2) suggests that this variant is likely to be disruptive. In summary, the available evidence is currently insufficient to determine the role of this variant in disease. Therefore, it has been classified as a Variant of Uncertain Significance.

Ambry Genetics
Classification: Uncertain significance for Inborn genetic diseases. Last evaluated: 2024-11-13. Review status: criteria provided, single submitter. Criteria: Ambry Variant Classification Scheme 2023. Collection method: clinical testing. Allele origin: germline.